The following is an entry in ClinVar:

NM_000901.5(NR3C2):c.2097A>C (p.Pro699=)

Gene: NR3C2 (nuclear receptor subfamily 3 group C member 2; minus strand). Cytogenetic location: 4q31.23.
Variant type: single nucleotide variant.
Coding change: c.2097A>C on transcript NM_000901.5 (MANE Select); coding-DNA position 2097, A replaced by C.
Protein change: p.Pro699=; no amino-acid change (proline 699 retained).
Molecular consequence: synonymous variant. On other transcripts: intron variant (2).
Genome position (GRCh38, 1-based): chr4:148,154,819, T>G on the plus strand (A>C on the coding strand, the complement: NR3C2 is on the minus strand). VCF-style: chr4-148154819-T-G. GRCh37 (hg19) VCF-style: chr4-149075970-T-G.
Other names: c.2015-2206A>C (NM_001354819.1, NM_001166104.2).
Identifiers: ClinVar variation 900747 (VCV000900747.5), dbSNP rs780645360, ClinGen allele CA3100170.

ClinVar aggregate classification (germline): Benign. Review status: criteria provided, multiple submitters, no conflicts (2 of 4 stars). 2 submissions from 2 submitters: Benign (2). Last evaluated 2018-01-13.

Conditions:
Autosomal dominant pseudohypoaldosteronism type 1. Also called: Pseudohypoaldosteronism, Type I, Dominant; Pseudohypoaldosteronism, Type I, Autosomal Dominant; PHA I, AUTOSOMAL DOMINANT. Identifiers: Orphanet 171871, Orphanet 756, MedGen C1449842, MONDO:0008329, OMIM 177735.

Allele frequency attached by ClinVar (database versions not stated): ExAC 0.00034.

Submissions (2):

Illumina Laboratory Services, Illumina
Classification: Benign for Autosomal dominant pseudohypoaldosteronism type 1. Last evaluated: 2018-01-13. Review status: criteria provided, single submitter. Criteria: ICSL Variant Classification Criteria 13 December 2019. Collection method: clinical testing. Allele origin: germline.
Comment: This variant was observed in the ICSL laboratory as part of a predisposition screen in an ostensibly healthy population. It had not been previously curated by ICSL or reported in the Human Gene Mutation Database (HGMD: prior to June 1st, 2018), and was therefore a candidate for classification through an automated scoring system. Utilizing variant allele frequency, disease prevalence and penetrance estimates, and inheritance mode, an automated score was calculated to assess if this variant is too frequent to cause the disease. Based on the score and internal cut-off values, a variant classified as benign is not then subjected to further curation. The score for this variant resulted in a classification of benign for this disease.

Breakthrough Genomics
Classification: Benign. Review status: criteria provided, single submitter. Criteria: ACMG Guidelines, 2015. Collection method: not provided. Allele origin: germline. Inheritance: Autosomal dominant inheritance. Affected: yes.